The following is an entry in ClinVar:

NM_001363711.2(DUOX2):c.367G>C (p.Gly123Arg)

Gene: DUOX2 (dual oxidase 2; minus strand). Cytogenetic location: 15q21.1.
Variant type: single nucleotide variant.
Coding change: c.367G>C on transcript NM_001363711.2 (MANE Select); coding-DNA position 367, G replaced by C.
Protein change: p.Gly123Arg; replaces glycine 123 with arginine.
Molecular consequence: missense variant.
Genome position (GRCh38, 1-based): chr15:45,111,914, C>G on the plus strand (G>C on the coding strand, the complement: DUOX2 is on the minus strand). VCF-style: chr15-45111914-C-G. GRCh37 (hg19) VCF-style: chr15-45404112-C-G.
Other names: c.367G>C, p.Gly123Arg (NM_014080.5); short protein forms G123R.
Identifiers: ClinVar variation 2663481 (VCV002663481.3), dbSNP rs1334915762, ClinGen allele CA392279458.

ClinVar aggregate classification (germline): Uncertain significance. Review status: criteria provided, multiple submitters, no conflicts (2 of 4 stars). 2 submissions from 2 submitters: Uncertain significance (2). Last evaluated 2024-09-26.

Conditions:
Inborn genetic diseases. Identifiers: MedGen C0950123, MeSH D030342.

Allele frequency attached by ClinVar (database versions not stated): TOPMed 0.00001.
gnomAD v4.1: 11 of 1,613,682 alleles (0.00068%); highest among the groups gnomAD compares: Non-Finnish European, 0.00093%; no homozygotes.

Submissions (2):

GeneDx
Classification: Uncertain significance. Last evaluated: 2024-09-26. Review status: criteria provided, single submitter. Criteria: GeneDx Variant Classification Process June 2021. Collection method: clinical testing. Allele origin: germline.
Comment: Not observed at significant frequency in large population cohorts (gnomAD); In silico analysis supports that this missense variant has a deleterious effect on protein structure/function; Has not been previously published as pathogenic or benign to our knowledge

Ambry Genetics
Classification: Uncertain significance for Inborn genetic diseases. Last evaluated: 2024-01-23. Review status: criteria provided, single submitter. Criteria: Ambry Variant Classification Scheme 2023. Collection method: clinical testing. Allele origin: germline.